The following is an entry in ClinVar:

NM_007194.4(CHEK2):c.322T>C (p.Cys108Arg)

Gene: CHEK2 (checkpoint kinase 2; minus strand). Cytogenetic location: 22q12.1.
Variant type: single nucleotide variant.
Coding change: c.322T>C on transcript NM_007194.4 (MANE Select); coding-DNA position 322, T replaced by C.
Protein change: p.Cys108Arg; replaces cysteine 108 with arginine.
Molecular consequence: missense variant.
Genome position (GRCh38, 1-based): chr22:28,725,365, A>G on the plus strand (T>C on the coding strand, the complement: CHEK2 is on the minus strand). VCF-style: chr22-28725365-A-G. GRCh37 (hg19) VCF-style: chr22-29121353-A-G.
Other names: p.C108R:TGT>CGT; c.451T>C, p.Cys151Arg (NM_001005735.3); c.-456T>C (NM_001257387.3); c.322T>C, p.Cys108Arg (NM_001349956.3, NM_145862.3); short protein forms C108R, C151R.
Identifiers: ClinVar variation 182424 (VCV000182424.30), dbSNP rs730881681, ClinGen allele CA299061.

ClinVar aggregate classification (germline): Conflicting classifications of pathogenicity. Review status: criteria provided, conflicting classifications (1 of 4 stars). 11 submissions from 11 submitters: Likely pathogenic (1); Uncertain significance (9). 1 of the submissions does not count toward it. Last evaluated 2025-08-06.

Conditions:
Hereditary cancer-predisposing syndrome. Also called: Tumor predisposition; Hereditary Cancer Syndrome; Hereditary neoplastic syndrome; Neoplastic Syndromes, Hereditary. Identifiers: Orphanet 140162, MedGen C0027672, MeSH D009386, MONDO:0015356.
Familial cancer of breast. Also called: BREAST CANCER, FAMILIAL; Hereditary breast cancer; hereditary breast carcinoma. Identifiers: Orphanet 227535, MedGen C0346153, MONDO:0016419, OMIM 114480. Disease mechanism: loss of function.

gnomAD v4.1: 11 of 1,614,068 alleles (0.00068%); highest among the groups gnomAD compares: Non-Finnish European, 0.00076%; no homozygotes.

Submissions (11):

Labcorp Genetics (formerly Invitae), Labcorp
Classification: Uncertain significance for Familial cancer of breast. Last evaluated: 2025-08-06. Review status: criteria provided, single submitter. Criteria: Invitae Variant Classification Sherloc (09022015). Collection method: clinical testing. Allele origin: germline.
Comment: This sequence change replaces cysteine, which is neutral and slightly polar, with arginine, which is basic and polar, at codon 108 of the CHEK2 protein (p.Cys108Arg). This variant is not present in population databases (gnomAD no frequency). This missense change has been observed in individual(s) with clinical features of CHEK2-related conditions (PMID: 29522266, 32660107, 34326862). ClinVar contains an entry for this variant (Variation ID: 182424). An algorithm developed to predict the effect of missense changes on protein structure and function (PolyPhen-2) suggests that this variant is likely to be disruptive. Experimental studies have shown that this missense change affects CHEK2 function (PMID: 30851065, 37449874). In summary, the available evidence is currently insufficient to determine the role of this variant in disease. Therefore, it has been classified as a Variant of Uncertain Significance.

Department of Clinical Genetics, Copenhagen University Hospital, Rigshospitalet
Classification: Uncertain significance for Hereditary cancer-predisposing syndrome. Last evaluated: 2025-03-25. Review status: criteria provided, single submitter. Criteria: ACMG Guidelines, 2015. Collection method: clinical testing. Allele origin: germline.
Comment: The following ACMG criteria has been used according to CanVIG CHEK2 guidelines: PM2_SUP; PP3; PS3_MOD. OR is currently unknown

Center for Genomic Medicine, Rigshospitalet, Copenhagen University Hospital
Classification: Likely pathogenic. Last evaluated: 2025-03-04. Review status: criteria provided, single submitter. Criteria: ACMG Guidelines, 2015. Collection method: clinical testing. Allele origin: germline.
Comment: Classification criteria: PS3, PM2_supporting, PP3_moderate

Ambry Genetics
Classification: Uncertain significance for Hereditary cancer-predisposing syndrome. Last evaluated: 2024-11-18. Review status: criteria provided, single submitter. Criteria: Ambry Variant Classification Scheme 2023. Collection method: clinical testing. Allele origin: germline.
Comment: The p.C108R variant (also known as c.322T>C), located in coding exon 2 of the CHEK2 gene, results from a T to C substitution at nucleotide position 322. The cysteine at codon 108 is replaced by arginine, an amino acid with highly dissimilar properties. This alteration has been reported in at least one subject in a study of 13087 breast cancer cases and 5488 control individuals in the UK (Decker B et al. J Med Genet, 2017 11;54:732-741). This alteration was also detected in 1/5589 German BRCA1/2-negative probands with breast cancer (Hauke J et al. Cancer Med, 2018 04;7:1349-1358). Additionally, this alteration behaved as non-functional in an in vivo, yeast-based growth rate assay (Delimitsou A et al. Hum Mutat, 2019 05;40:631-648). This alteration was also reported as functionally impaired in a study assessing CHEK2-complementation through quantification of KAP1 phosphorylation and CHK2 autophosphorylation in human RPE1-CHEK2-knockout cells (Stolarova L et al. Clin Cancer Res, 2023 Aug;29:3037-3050). This amino acid position is highly conserved in available vertebrate species. In addition, this alteration is predicted to be deleterious by in silico analysis. Based on the available evidence, the clinical significance of this variant remains unclear.

GeneDx
Classification: Uncertain significance. Last evaluated: 2023-09-28. Review status: criteria provided, single submitter. Criteria: GeneDx Variant Classification Process June 2021. Collection method: clinical testing. Allele origin: germline. Affected: yes.
Comment: Not observed at significant frequency in large population cohorts (gnomAD); In silico analysis supports that this missense variant has a deleterious effect on protein structure/function; Published functional studies demonstrate reduced response to DNA damage in a yeast-based assay (Delimitsou et al., 2019); This variant is associated with the following publications: (PMID: 29522266, 22419737, 19782031, 31398194, 30851065, 34326862, 28779002, 32660107)

Institute of Human Genetics, University of Leipzig Medical Center
Classification: Uncertain significance for Familial cancer of breast. Last evaluated: 2023-03-13. Review status: criteria provided, single submitter. Criteria: ACMG Guidelines, 2015. Collection method: clinical testing. Allele origin: unknown. Affected: yes.
Comment: _x000D_ Criteria applied: PM2_SUP, PP3

Myriad Genetics, Inc.
Classification: Uncertain significance for Familial cancer of breast. Last evaluated: 2023-03-08. Review status: criteria provided, single submitter. Criteria: Myriad Autosomal Dominant, Autosomal Recessive and X-Linked Classification Criteria (2023). Collection method: clinical testing. Allele origin: unknown.
Comment: This variant is classified as a variant of uncertain significance as there is insufficient evidence to determine its impact on protein function and/or cancer risk.

Institute for Clinical Genetics, University Hospital TU Dresden, University Hospital TU Dresden
Classification: Uncertain significance. Last evaluated: 2021-11-03. Review status: criteria provided, single submitter. Criteria: ACMG Guidelines, 2015. Collection method: clinical testing. Allele origin: germline.

Color Diagnostics, LLC DBA Color Health
Classification: Uncertain significance for Hereditary cancer-predisposing syndrome. Last evaluated: 2020-10-12. Review status: criteria provided, single submitter. Criteria: ACMG Guidelines, 2015. Collection method: clinical testing. Allele origin: germline.
Comment: This missense variant replaces cysteine with arginine at codon 108 of the CHEK2 protein. Computational prediction suggests that this variant may have deleterious impact on protein structure and function (internally defined REVEL score threshold >= 0.7, PMID: 27666373). A functional study has shown this variant to be damaging in DNA damage response assay in yeast (PMID: 30851065). This variant has not been reported in individuals affected with hereditary cancer in the literature. This variant has not been identified in the general population by the Genome Aggregation Database (gnomAD). The available evidence is insufficient to determine the role of this variant in disease conclusively. Therefore, this variant is classified as a Variant of Uncertain Significance.

Division of Medical Genetics, University of Washington
Classification: Uncertain significance for Familial cancer of breast. Last evaluated: 2019-08-09. Review status: criteria provided, single submitter. Criteria: ACMG Guidelines, 2015. Collection method: clinical testing. Allele origin: germline. Affected: no. Study: CSER_CHARM.
Comment: To our knowledge, this sequence variant has not been previously reported in the literature. This variant is not present in population databases. In silico analyses indicate this is an evolutionarily conserved residue. Thus, it is unknown at this time whether this variant increases cancer risk.

Counsyl
Classification: Uncertain significance for Familial cancer of breast. Last evaluated: 2017-04-04. Review status: no assertion criteria provided. Collection method: clinical testing. Allele origin: unknown. Not counted in ClinVar's aggregate classification.

Literature cited by the submitters: PubMed 29522266 (cited by 3 submitters); PubMed 32660107 (cited by Labcorp Genetics (formerly Invitae), Labcorp and Center for Genomic Medicine, Rigshospitalet, Copenhagen University Hospital); PubMed 34326862 (cited by Labcorp Genetics (formerly Invitae), Labcorp and Center for Genomic Medicine, Rigshospitalet, Copenhagen University Hospital); PubMed 30851065 (cited by 4 submitters); PubMed 37449874 (cited by 4 submitters); PubMed 39642869 (cited by Department of Clinical Genetics, Copenhagen University Hospital, Rigshospitalet and Center for Genomic Medicine, Rigshospitalet, Copenhagen University Hospital); PubMed 39146382 (cited by Department of Clinical Genetics, Copenhagen University Hospital, Rigshospitalet); PubMed 28779002 (cited by Ambry Genetics).